The following is an entry in ClinVar:

ClinVar aggregate classification (germline): Uncertain significance (1 of 4 stars; one submission).

Conditions:
ALMS1-related disorder. Also called: ALMS1-related condition.

Submission:

PreventionGenetics, part of Exact Sciences
Classification: Uncertain significance for ALMS1-related condition. Last evaluated: 2026-08-24. Review status: criteria provided, single submitter. Criteria: ACMG Guidelines, 2015. Collection method: clinical testing. Allele origin: germline.
Comment: The ALMS1 c.777T>G variant is predicted to result in the amino acid substitution p.Asp259Glu. This variant was reported in a study of patients with inherited retinal disorders; no additional functional or segregation evidence was provided that could help establish pathogenicity of the variant (see Table S12 in Diñeiro et al. 2020. PubMed ID: 32483926). This variant is reported in 0.0072% of alleles in individuals of Latino descent in gnomAD. At this time, the clinical significance of this variant is uncertain due to the absence of conclusive functional and genetic evidence.

NM_001378454.1(ALMS1):c.774T>G (p.Pro258=)

Gene: ALMS1 (ALMS1 centrosome and basal body associated protein; plus strand). Cytogenetic location: 2p13.1.
Variant type: single nucleotide variant.
Coding change: c.774T>G on transcript NM_001378454.1 (MANE Select); coding-DNA position 774, T replaced by G.
Protein change: p.Pro258=; no amino-acid change (proline 258 retained).
Molecular consequence: synonymous variant.
Genome position (GRCh38, 1-based): chr2:73,424,439, T>G. VCF-style: chr2-73424439-T-G. GRCh37 (hg19) VCF-style: chr2-73651567-T-G.
Other names: c.777T>G, p.Pro259= (NM_015120.4).
Identifiers: ClinVar variation 4979880 (VCV004979880.1).